The following is an entry in ClinVar:

NM_022437.3(ABCG8):c.1643C>T (p.Ala548Val)

Gene: ABCG8 (ATP binding cassette subfamily G member 8; plus strand). Cytogenetic location: 2p21.
Variant type: single nucleotide variant.
Coding change: c.1643C>T on transcript NM_022437.3 (MANE Select); coding-DNA position 1643, C replaced by T.
Protein change: p.Ala548Val; replaces alanine 548 with valine.
Molecular consequence: missense variant.
Genome position (GRCh38, 1-based): chr2:43,875,300, C>T. VCF-style: chr2-43875300-C-T. GRCh37 (hg19) VCF-style: chr2-44102439-C-T.
Other names: c.1643C>T (NM_022437.2); c.1640C>T, p.Ala547Val (NM_001357321.2); short protein forms A547V, A548V.
Identifiers: ClinVar variation 1511711 (VCV001511711.7), dbSNP rs201258947, ClinGen allele CA1637572.

ClinVar aggregate classification (germline): Uncertain significance. Review status: criteria provided, multiple submitters, no conflicts (2 of 4 stars). 2 submissions from 2 submitters: Uncertain significance (2). Last evaluated 2024-12-23.

Conditions:
Cardiovascular phenotype. Identifiers: MedGen CN230736.

Allele frequency attached by ClinVar (database versions not stated): gnomAD 0.00001.
gnomAD v4.1: 31 of 1,614,024 alleles (0.0019%); highest among the groups gnomAD compares: Non-Finnish European, 0.0025%; no homozygotes.

Submissions (2):

Labcorp Genetics (formerly Invitae), Labcorp
Classification: Uncertain significance. Last evaluated: 2024-12-23. Review status: criteria provided, single submitter. Criteria: Invitae Variant Classification Sherloc (09022015). Collection method: clinical testing. Allele origin: germline.
Comment: This sequence change replaces alanine, which is neutral and non-polar, with valine, which is neutral and non-polar, at codon 548 of the ABCG8 protein (p.Ala548Val). This variant is not present in population databases (gnomAD no frequency). This variant has not been reported in the literature in individuals affected with ABCG8-related conditions. ClinVar contains an entry for this variant (Variation ID: 1511711). Invitae Evidence Modeling of protein sequence and biophysical properties (such as structural, functional, and spatial information, amino acid conservation, physicochemical variation, residue mobility, and thermodynamic stability) indicates that this missense variant is not expected to disrupt ABCG8 protein function with a negative predictive value of 80%. In summary, the available evidence is currently insufficient to determine the role of this variant in disease. Therefore, it has been classified as a Variant of Uncertain Significance.

Ambry Genetics
Classification: Uncertain significance for Cardiovascular phenotype. Last evaluated: 2024-06-06. Review status: criteria provided, single submitter. Criteria: Ambry Variant Classification Scheme 2023. Collection method: clinical testing. Allele origin: germline.
Comment: The p.A548V variant (also known as c.1643C>T), located in coding exon 11 of the ABCG8 gene, results from a C to T substitution at nucleotide position 1643. The alanine at codon 548 is replaced by valine, an amino acid with similar properties. This amino acid position is conserved. In addition, this alteration is predicted to be tolerated by in silico analysis. Based on the available evidence, the clinical significance of this variant remains unclear.